The following is an entry in ClinVar:

ClinVar aggregate classification (germline): Likely pathogenic (1 of 4 stars; one submission).

Submission:

CeGaT Center for Human Genetics Tuebingen
Classification: Likely pathogenic. Last evaluated: 2025-07-01. Review status: criteria provided, single submitter. Criteria: CeGaT Center For Human Genetics Tuebingen Variant Classification Criteria Version 2. Collection method: clinical testing. Allele origin: germline. Affected: yes. Observed: 1 variant allele.
Comment: GRIA3: PM1, PM2, PP2, PS2:Supporting

NM_007325.5(GRIA3):c.1972G>A (p.Val658Met)

Gene: GRIA3 (glutamate ionotropic receptor AMPA type subunit 3; plus strand). Cytogenetic location: Xq25.
Variant type: single nucleotide variant.
Coding change: c.1972G>A on transcript NM_007325.5 (MANE Select); coding-DNA position 1972, G replaced by A.
Protein change: p.Val658Met; replaces valine 658 with methionine.
Molecular consequence: missense variant.
Genome position (GRCh38, 1-based): chrX:123,428,035, G>A. VCF-style: chrX-123428035-G-A. GRCh37 (hg19) VCF-style: chrX-122561886-G-A.
Other names: c.1972G>A, p.Val658Met (NM_000828.5); short protein forms V658M.
Identifiers: ClinVar variation 3772192 (VCV003772192.13).
Genomic context (GRCh38, chrX:123,428,035, plus strand): 5'-TGGTTCTTCACCCTGATCATAATTTCTTCCTATACTGCCAATCTCGCTGCTTTCCTGACT[G>A]TGGAGAGGATGGTTTCTCCCATAGAGAGTGCTGAAGACTTAGCTAAACAGACTGAAATTG-3'
Protein context (NP_015564.5, residues 648-668): YTANLAAFLT[Val658Met]ERMVSPIESA